The following is an entry in ClinVar:

ClinVar aggregate classification (germline): Likely benign (1 of 4 stars; one submission).

Allele frequency attached by ClinVar (database versions not stated): gnomAD exomes 0.00005 and 0.00008; TOPMed 0.00008; gnomAD 0.00012 and 0.00013; 1000 Genomes Project 0.00020; 1000 Genomes Project 30x 0.00047.
gnomAD v4.1: 60 of 713,906 alleles (0.0084%); highest among the groups gnomAD compares: Middle Eastern, 0.023%; no homozygotes.

Submission:

CeGaT Center for Human Genetics Tuebingen
Classification: Likely benign. Last evaluated: 2025-09-01. Review status: criteria provided, single submitter. Criteria: CeGaT Center For Human Genetics Tuebingen Variant Classification Criteria Version 2. Collection method: clinical testing. Allele origin: germline. Affected: yes. Observed: 2 variant alleles.
Comment: SHANK2: BP4, BP7

NM_012309.5(SHANK2):c.1407C>T (p.Pro469=)

Gene: SHANK2 (SH3 and multiple ankyrin repeat domains 2; minus strand). Cytogenetic location: 11q13.4.
Variant type: single nucleotide variant.
Coding change: c.1407C>T on transcript NM_012309.5 (MANE Select); coding-DNA position 1407, C replaced by T.
Protein change: p.Pro469=; no amino-acid change (proline 469 retained).
Molecular consequence: synonymous variant.
Genome position (GRCh38, 1-based): chr11:70,820,450, G>A on the plus strand (C>T on the coding strand, the complement: SHANK2 is on the minus strand). VCF-style: chr11-70820450-G-A. GRCh37 (hg19) VCF-style: chr11-70666555-G-A.
Other names: c.270C>T, p.Pro90= (NM_001379226.1).
Identifiers: ClinVar variation 1176580 (VCV001176580.35), dbSNP rs576396181, ClinGen allele CA223865106.